The following is an entry in ClinVar:

NM_152743.4(BRAT1):c.1321+18G>A

Gene: BRAT1 (BRCA1 associated ATM activator 1; minus strand). Cytogenetic location: 7p22.3.
Variant type: single nucleotide variant.
Coding change: c.1321+18G>A on transcript NM_152743.4 (MANE Select); 18 bases into the intron after coding-DNA position 1321, G replaced by A.
Molecular consequence: intron variant.
Genome position (GRCh38, 1-based): chr7:2,541,280, C>T on the plus strand (G>A on the coding strand, the complement: BRAT1 is on the minus strand). VCF-style: chr7-2541280-C-T. GRCh37 (hg19) VCF-style: chr7-2580914-C-T.
Other names: c.796+18G>A (NM_001350627.2); c.1321+18G>A (NM_001350626.2).
Identifiers: ClinVar variation 1170197 (VCV001170197.15), dbSNP rs62442586, ClinGen allele CA4127833.
Genomic context (GRCh38, chr7:2,541,280, plus strand): 5'-TCCCGGGTGCCTCCGAGCAGAAAGGAGAGTGGGGGCACAGGGATAGCCCCACGCCAAAGC[C>T]GTACAGAACACACTCACCTGTCCCCTGTGACAGCGTCCCCAGGAAGTCGAGGGCTGCTCG-3'

ClinVar aggregate classification (germline): Benign. Review status: criteria provided, multiple submitters, no conflicts (2 of 4 stars). 4 submissions from 4 submitters: Benign (4). Last evaluated 2026-02-03.

Conditions:
Neonatal-onset encephalopathy with rigidity and seizures. Also called: Lethal neonatal spasticity-epileptic encephalopathy syndrome. Identifiers: Orphanet 435845, MedGen C3281029, MONDO:0013784, OMIM 614498.

Allele frequency attached by ClinVar (database versions not stated): 1000 Genomes Project 0.06909; 1000 Genomes Project 30x 0.07136; TOPMed 0.11491; gnomAD 0.12144 and 0.12338; ESP Exome Variant Server 0.12269; gnomAD exomes 0.13452 and 0.15707; ExAC 0.14134.
gnomAD v4.1: 237,376 of 1,553,632 alleles (15%); highest among the groups gnomAD compares: Admixed American, 18%; 20,044 homozygotes.

Submissions (4):

Labcorp Genetics (formerly Invitae), Labcorp
Classification: Benign for Neonatal-onset encephalopathy with rigidity and seizures. Last evaluated: 2026-02-03. Review status: criteria provided, single submitter. Criteria: Invitae Variant Classification Sherloc (09022015). Collection method: clinical testing. Allele origin: germline.

Blueprint Genetics
Classification: Benign. Last evaluated: 2024-11-27. Review status: criteria provided, single submitter. Criteria: ACMG Guidelines, 2015. Collection method: clinical testing. Allele origin: germline.

Unidad de Genómica Garrahan, Hospital de Pediatría Garrahan
Classification: Benign. Last evaluated: 2024-07-15. Review status: criteria provided, single submitter. Criteria: ACMG Guidelines, 2015. Collection method: clinical testing. Allele origin: germline. Affected: no. Observed: 30 variant alleles.
Comment: This variant is classified as Benign based on local population frequency. This variant was detected in 32% of patients studied in a panel designed for Epileptic and Developmental Encephalopathy and Progressive Myoclonus Epilepsy. Number of patients: 30. Only high quality variants are reported.

GeneDx
Classification: Benign. Last evaluated: 2018-07-15. Review status: criteria provided, single submitter. Criteria: GeneDx Variant Classification Process June 2021. Collection method: clinical testing. Allele origin: germline. Affected: yes.